The following is an entry in ClinVar:

NM_000035.4(ALDOB):c.*849T>C

Gene: ALDOB (aldolase, fructose-bisphosphate B; minus strand). Cytogenetic location: 9q31.1.
Variant type: single nucleotide variant.
Coding change: c.*849T>C on transcript NM_000035.4 (MANE Select); 849 bases downstream of the stop codon, T replaced by C.
Molecular consequence: 3 prime UTR variant.
Genome position (GRCh38, 1-based): chr9:101,420,960, A>G on the plus strand (T>C on the coding strand, the complement: ALDOB is on the minus strand). VCF-style: chr9-101420960-A-G. GRCh37 (hg19) VCF-style: chr9-104183242-A-G.
Other names: c.*849T>C (LRG_1244t1).
Identifiers: ClinVar variation 364292 (VCV000364292.5), dbSNP rs181650438, ClinGen allele CA10631942.
Genomic context (GRCh38, chr9:101,420,960, plus strand): 5'-AATATGCCTGGACGTGCAGATGACAAGGTAGTCCTGTTTCACCAAACCTGGGCCACTTGA[A>G]CAAGAATGCTCCAAGCATTGAAGTCACATTAATTCTCTTATTATACTCCACAAGTTGCTC-3'

ClinVar aggregate classification (germline): Likely benign (1 of 4 stars; one submission).

Conditions:
Hereditary fructosuria. Also called: Fructose intolerance; ALDOB DEFICIENCY; ALDOLASE B DEFICIENCY; FRUCTOSE-1,6-BISPHOSPHATE ALDOLASE B DEFICIENCY; FRUCTOSE-1-PHOSPHATE ALDOLASE DEFICIENCY; FRUCTOSEMIA. Identifiers: Orphanet 469, MedGen C0016751, MONDO:0009249, OMIM 229600, HP:0005973. Disease mechanism: loss of function.

Allele frequency attached by ClinVar (database versions not stated): gnomAD 0.00024 and 0.00033; TOPMed 0.00057; 1000 Genomes Project 0.00060; 1000 Genomes Project 30x 0.00078.

Submission:

Illumina Laboratory Services, Illumina
Classification: Likely benign for Hereditary fructosuria. Last evaluated: 2018-01-12. Review status: criteria provided, single submitter. Criteria: ICSL Variant Classification Criteria 13 December 2019. Collection method: clinical testing. Allele origin: germline.
Comment: This variant was observed in the ICSL laboratory as part of a predisposition screen in an ostensibly healthy population. It had not been previously curated by ICSL or reported in the Human Gene Mutation Database (HGMD: prior to June 1st, 2018), and was therefore a candidate for classification through an automated scoring system. Utilizing variant allele frequency, disease prevalence and penetrance estimates, and inheritance mode, an automated score was calculated to assess if this variant is too frequent to cause the disease. Based on the score and internal cut-off values, a variant classified as likely benign is not then subjected to further curation. The score for this variant resulted in a classification of likely benign for this disease.